The following is an entry in ClinVar:

NM_014625.4(NPHS2):c.293_294del (p.Leu98fs)

Gene: NPHS2 (NPHS2 stomatin family member, podocin; minus strand). Cytogenetic location: 1q25.2.
Variant type: Deletion.
Coding change: c.293_294del on transcript NM_014625.4 (MANE Select); coding-DNA positions 293 to 294, 2 bases deleted (TA; older notation c.293_294delTA).
Protein change: p.Leu98fs; shifts the reading frame from leucine 98.
Molecular consequence: frameshift variant.
Genome position (GRCh38, 1-based): chr1:179,564,774-179,564,775, TA deleted on the plus strand (TA on the coding strand, the reverse complement: NPHS2 is on the minus strand). VCF-style (leftmost placement, unchanged base first): chr1-179564773-CTA-C. GRCh37 (hg19) VCF-style: chr1-179533908-CTA-C.
Other names: c.293_294del, p.Leu98fs (NM_001297575.2); short protein forms L98fs.
Identifiers: ClinVar variation 2677345 (VCV002677345.7), dbSNP rs2526314427, ClinGen allele CA2586967765.

ClinVar aggregate classification (germline): Pathogenic/Likely pathogenic. Review status: criteria provided, multiple submitters, no conflicts (2 of 4 stars). 4 submissions from 4 submitters: Pathogenic (2); Likely pathogenic (1). 1 of the submissions does not count toward it. Last evaluated 2025-08-03.

Conditions:
Nephrotic syndrome, type 2 (NPHS2). Also called: NEPHROTIC SYNDROME, STEROID-RESISTANT, AUTOSOMAL RECESSIVE. Identifiers: Orphanet 656, MedGen C1868672, MONDO:0010974, OMIM 600995.
NPHS2-related disorder. Also called: NPHS2-related condition.
Steroid-resistant nephrotic syndrome. Identifiers: MedGen C0403397, MONDO:0044765, HP:0012588.

Submissions (4):

Natera, Inc.
Classification: Likely pathogenic for Steroid-resistant nephrotic syndrome. Last evaluated: 2025-08-03. Review status: criteria provided, single submitter. Criteria: Natera Variant Classification Schema (03/2026). Collection method: clinical testing. Allele origin: germline.
Comment: The c.293_294delTA variant in NPHS2 is a frameshift variant predicted to shift the reading frame beginning at codon 98 and leads to a stop codon 4 codons downstream. This variant is expected to result in nonsense mediated decay, truncation, or a dysfunctional protein product. This variant is rare in the general population with a frequency below the threshold expected for the associated phenotype(s). Given the available evidence, this variant is classified as Likely Pathogenic.

Baylor Genetics
Classification: Pathogenic for Nephrotic syndrome, type 2. Last evaluated: 2023-05-23. Review status: criteria provided, single submitter. Criteria: ACMG Guidelines, 2015. Collection method: clinical testing. Allele origin: unknown.

Labcorp Genetics (formerly Invitae), Labcorp
Classification: Pathogenic. Last evaluated: 2023-01-14. Review status: criteria provided, single submitter. Criteria: Invitae Variant Classification Sherloc (09022015). Collection method: clinical testing. Allele origin: germline.
Comment: This variant has not been reported in the literature in individuals affected with NPHS2-related conditions. This variant is not present in population databases (gnomAD no frequency). This sequence change creates a premature translational stop signal (p.Leu98Trpfs*4) in the NPHS2 gene. It is expected to result in an absent or disrupted protein product. Loss-of-function variants in NPHS2 are known to be pathogenic (PMID: 10742096, 14701729, 15253708, 23595123). For these reasons, this variant has been classified as Pathogenic.

PreventionGenetics, part of Exact Sciences
Classification: Pathogenic for NPHS2-related condition. Last evaluated: 2023-11-11. Review status: no assertion criteria provided. Collection method: clinical testing. Allele origin: germline. Not counted in ClinVar's aggregate classification.
Comment: The NPHS2 c.293_294delTA variant is predicted to result in a frameshift and premature protein termination (p.Leu98Trpfs*4). This variant was reported with a second NPHS2 variant in an individual with nephrotic syndrome (Table 2, Lu et al 2022. PubMed ID: 35064937). This variant has not been reported in a large population database, indicating this variant is rare. Frameshift variants in NPHS2 are expected to be pathogenic. This variant is interpreted as pathogenic.

Literature cited by the submitters: PubMed 10742096 (cited by Labcorp Genetics (formerly Invitae), Labcorp); PubMed 14701729 (cited by Labcorp Genetics (formerly Invitae), Labcorp); PubMed 15253708 (cited by Labcorp Genetics (formerly Invitae), Labcorp); PubMed 23595123 (cited by Labcorp Genetics (formerly Invitae), Labcorp).